The following is an entry in ClinVar:

NM_000593.6(TAP1):c.2095A>G (p.Ile699Val)

Genes: PSMB8-AS1 (PSMB8 antisense RNA 1; plus strand), TAP1 (transporter 1, ATP binding cassette subfamily B member; minus strand). Cytogenetic location: 6p21.32.
Variant type: single nucleotide variant.
Coding change: c.2095A>G on transcript NM_000593.6 (MANE Select); coding-DNA position 2095, A replaced by G.
Protein change: p.Ile699Val; replaces isoleucine 699 with valine.
Molecular consequence: missense variant. On other transcripts: non-coding transcript variant (4).
Genome position (GRCh38, 1-based): chr6:32,845,731, T>C on the plus strand (A>G on the coding strand, the complement: TAP1 is on the minus strand). VCF-style: chr6-32845731-T-C. GRCh37 (hg19) VCF-style: chr6-32813508-T-C.
Other names: c.1492A>G, p.Ile498Val (NM_001292022.2); short protein forms I699V, I498V.
Identifiers: ClinVar variation 1962218 (VCV001962218.5), dbSNP rs1414081966, ClinGen allele CA363590551.

ClinVar aggregate classification (germline): Uncertain significance (1 of 4 stars; one submission).

Conditions:
MHC class I deficiency. Identifiers: Orphanet 34592, MedGen C6024714, MONDO:0011476.

Submission:

Labcorp Genetics (formerly Invitae), Labcorp
Classification: Uncertain significance for MHC class I deficiency 1. Last evaluated: 2022-04-07. Review status: criteria provided, single submitter. Criteria: Invitae Variant Classification Sherloc (09022015). Collection method: clinical testing. Allele origin: germline.
Comment: In summary, the available evidence is currently insufficient to determine the role of this variant in disease. Therefore, it has been classified as a Variant of Uncertain Significance. Algorithms developed to predict the effect of missense changes on protein structure and function (SIFT, PolyPhen-2, Align-GVGD) all suggest that this variant is likely to be tolerated. This variant has not been reported in the literature in individuals affected with TAP1-related conditions. This variant is present in population databases (no rsID available, gnomAD 0.0009%). This sequence change replaces isoleucine, which is neutral and non-polar, with valine, which is neutral and non-polar, at codon 759 of the TAP1 protein (p.Ile759Val).